The following is an entry in ClinVar:

ClinVar aggregate classification (germline): Likely pathogenic. Review status: criteria provided, multiple submitters, no conflicts (2 of 4 stars). 4 submissions from 4 submitters: Likely pathogenic (3). 1 of the submissions does not count toward it. Last evaluated 2024-02-23.

Conditions:
Spondyloepimetaphyseal dysplasia, di rocco type. Identifiers: MedGen C4693799, MONDO:0060702, OMIM 617974.

Submissions (4):

GeneDx
Classification: Likely pathogenic. Last evaluated: 2024-02-23. Review status: criteria provided, single submitter. Criteria: GeneDx Variant Classification Process June 2021. Collection method: clinical testing. Allele origin: germline. Affected: yes.
Comment: Not observed at significant frequency in large population cohorts (gnomAD); In silico analysis supports that this missense variant has a deleterious effect on protein structure/function; This variant is associated with the following publications: (PMID: 37214758, 36680403, 33473208, 32755715)

Department of Pediatrics, Affiliated Hospital of Zunyi Medical College, Zunyi Medical College
Classification: Likely pathogenic for Spondyloepimetaphyseal dysplasia, di rocco type. Last evaluated: 2019-06-10. Review status: criteria provided, single submitter. Criteria: ACMG Guidelines, 2015. Collection method: clinical testing. Allele origin: somatic. Inheritance: Autosomal dominant inheritance. Affected: yes. Observed: 1 heterozygote.
Comment: In 2018, Di Rocco, M reported for the first time that a novel heterozygous variant exon 11: c.1277A>C of the UFSP2 gene was the cause to spondyloepimetaphyseal dysplasia mainly manifested as: short stature, anterior vertebral dysplasia, hip dysplasia, flat vertebra, spinal metaphyseal dysplasia, irregular acetabular apex, distal femoral metaphyseal dysplasia, proximal tibial metaphyseal dysplasia, osteoarthritis and so on. This is the second report to describe children with SEMDs associated with an UFSP2 variant. However, it is the first to describe a UFSP2 gene mutation exon 11: c.1283A>G (leading to p. H428R). Our findings of a novel heterozygous mutation of UFSP2 gene add to the list of 2 reported heterozygous mutations of UFSP2 which led to hereditary osteopathy.

Clinical Biomedical Laboratory, Shriners Hospital For Children - Canada
Classification: Likely pathogenic for Spondyloepimetaphyseal dysplasia, di rocco type. Review status: criteria provided, single submitter. Criteria: ACMG Guidelines, 2015. Collection method: clinical testing. Allele origin: germline. Affected: yes.
Comment: This variant is predicted to substitute a histidine residue by an arginine residue in UFSP2. This variant is absent in the Genome Aggregation Database (gnomAD v2.1.1), indicating it is very rare. Computational tools (REVEL: 0.689) suggest that the amino acid change is deleterious to protein function. The gene is associated with spondyloepimetaphyseal dysplasia, Di Rocco type, which corresponds to the clinical diagnosis of the proband. This variant has been reported as a cause of spondyloepimetaphyseal dysplasia, Di Rocco type, in the literature (e.g. PMID 32755715). Based on the ACMG variant interpretation guidelines (criteria: PM2, PM5, PP3, PP4), the available evidence supports classification of this variant as likely pathogenic.

OMIM
Classification: Pathogenic for SPONDYLOEPIMETAPHYSEAL DYSPLASIA, DI ROCCO TYPE. Last evaluated: 2022-09-08. Review status: no assertion criteria provided. Collection method: literature only. Allele origin: germline. Not counted in ClinVar's aggregate classification.

Literature cited by the submitters: PubMed 32755715 (cited by OMIM).

NM_018359.5(UFSP2):c.1283A>G (p.His428Arg)

Gene: UFSP2 (UFM1 specific peptidase 2; minus strand). Cytogenetic location: 4q35.1.
Variant type: single nucleotide variant.
Coding change: c.1283A>G on transcript NM_018359.5 (MANE Select); coding-DNA position 1283, A replaced by G.
Protein change: p.His428Arg; replaces histidine 428 with arginine.
Molecular consequence: missense variant. On other transcripts: non-coding transcript variant (2).
Genome position (GRCh38, 1-based): chr4:185,403,534, T>C on the plus strand (A>G on the coding strand, the complement: UFSP2 is on the minus strand). VCF-style: chr4-185403534-T-C. GRCh37 (hg19) VCF-style: chr4-186324688-T-C.
Other names: c.1283A>G (NM_018359.3); short protein forms H428R.
Identifiers: ClinVar variation 916581 (VCV000916581.7), dbSNP rs2095515802, ClinGen allele CA358911749.